The following is an entry in ClinVar:

NM_000435.3(NOTCH3):c.4316A>C (p.Asn1439Thr)

Gene: NOTCH3 (notch receptor 3; minus strand). Cytogenetic location: 19p13.12.
Variant type: single nucleotide variant.
Coding change: c.4316A>C on transcript NM_000435.3 (MANE Select); coding-DNA position 4316, A replaced by C.
Protein change: p.Asn1439Thr; replaces asparagine 1439 with threonine.
Molecular consequence: missense variant.
Genome position (GRCh38, 1-based): chr19:15,177,612, T>G on the plus strand (A>C on the coding strand, the complement: NOTCH3 is on the minus strand). VCF-style: chr19-15177612-T-G. GRCh37 (hg19) VCF-style: chr19-15288423-T-G.
Other names: short protein forms N1439T.
Identifiers: ClinVar variation 4688859 (VCV004688859.1).

ClinVar aggregate classification (germline): Uncertain significance (1 of 4 stars; one submission).

Submission:

Women's Health and Genetics/Laboratory Corporation of America, LabCorp
Classification: Uncertain significance. Last evaluated: 2025-12-23. Review status: criteria provided, single submitter. Criteria: LabCorp Variant Classification Summary - May 2015. Collection method: clinical testing. Allele origin: germline.
Comment: Variant summary: NOTCH3 c.4316A>C (p.Asn1439Thr) results in a non-conservative amino acid change in the encoded protein sequence. Algorithms developed to predict the effect of missense changes on protein structure and function all suggest that this variant is likely to be disruptive. The variant was absent in 203354 control chromosomes. The available data on variant occurrences in the general population are insufficient to allow any conclusion about variant significance. To our knowledge, no occurrence of c.4316A>C in individuals affected with NOTCH3-related conditions and no experimental evidence demonstrating its impact on protein function have been reported. No submitters have cited clinical-significance assessments for this variant to ClinVar. Based on the evidence outlined above, the variant was classified as uncertain significance.